The following is an entry in ClinVar:

NM_001384732.1(CPLANE1):c.5327G>A (p.Arg1776His)

Gene: CPLANE1 (ciliogenesis and planar polarity effector complex subunit 1; minus strand). Cytogenetic location: 5p13.2.
Variant type: single nucleotide variant.
Coding change: c.5327G>A on transcript NM_001384732.1 (MANE Select); coding-DNA position 5327, G replaced by A.
Protein change: p.Arg1776His; replaces arginine 1776 with histidine.
Molecular consequence: missense variant.
Genome position (GRCh38, 1-based): chr5:37,182,854, C>T on the plus strand (G>A on the coding strand, the complement: CPLANE1 is on the minus strand). VCF-style: chr5-37182854-C-T. GRCh37 (hg19) VCF-style: chr5-37182956-C-T.
Other names: c.5327G>A, p.Arg1776His (NM_023073.4); short protein forms R1776H.
Identifiers: ClinVar variation 1357074 (VCV001357074.4), dbSNP rs757385488, ClinGen allele CA3238573.

ClinVar aggregate classification (germline): Uncertain significance. Review status: criteria provided, multiple submitters, no conflicts (2 of 4 stars). 2 submissions from 2 submitters: Uncertain significance (2). Last evaluated 2022-10-17.

Conditions:
Orofaciodigital syndrome type 6 (OFD6). Also called: OROFACIODIGITAL SYNDROME VI; OFDS VI; POLYDACTYLY, CLEFT LIP/PALATE OR LINGUAL LUMP, AND PSYCHOMOTOR RETARDATION; VARADI SYNDROME; VARADI-PAPP SYNDROME; Oral-facial-digital syndrome type 6. Identifiers: Orphanet 2754, MedGen C2745997, MONDO:0010176, OMIM 277170.
Joubert syndrome 17 (JBTS17). Identifiers: Orphanet 475, MedGen C3553264, MONDO:0013824, OMIM 614615.

Allele frequency attached by ClinVar (database versions not stated): gnomAD 0.00001; ExAC 0.00003; gnomAD exomes 0.00003; TOPMed 0.00005.
gnomAD v4.1: 22 of 1,612,746 alleles (0.0014%); highest among the groups gnomAD compares: East Asian, 0.025%; no homozygotes.

Submissions (2):

Labcorp Genetics (formerly Invitae), Labcorp
Classification: Uncertain significance. Last evaluated: 2022-10-17. Review status: criteria provided, single submitter. Criteria: Invitae Variant Classification Sherloc (09022015). Collection method: clinical testing. Allele origin: germline.
Comment: This sequence change replaces arginine, which is basic and polar, with histidine, which is basic and polar, at codon 1776 of the CPLANE1 protein (p.Arg1776His). This variant is present in population databases (rs757385488, gnomAD 0.02%). This variant has not been reported in the literature in individuals affected with CPLANE1-related conditions. ClinVar contains an entry for this variant (Variation ID: 1357074). Advanced modeling of protein sequence and biophysical properties (such as structural, functional, and spatial information, amino acid conservation, physicochemical variation, residue mobility, and thermodynamic stability) performed at Invitae indicates that this missense variant is not expected to disrupt CPLANE1 protein function. In summary, the available evidence is currently insufficient to determine the role of this variant in disease. Therefore, it has been classified as a Variant of Uncertain Significance.

Fulgent Genetics
Classification: Uncertain significance for Orofaciodigital syndrome type 6; Joubert syndrome 17. Last evaluated: 2022-01-04. Review status: criteria provided, single submitter. Criteria: ACMG Guidelines, 2015. Collection method: clinical testing. Allele origin: unknown.